The following is an entry in ClinVar:

ClinVar aggregate classification (germline): Likely pathogenic (1 of 4 stars; one submission).

Conditions:
Autosomal dominant familial hematuria-retinal arteriolar tortuosity-contractures syndrome. Also called: Angiopathy, hereditary, with nephropathy, aneurysms, and muscle cramps; Hereditary Angiopathy with Nephropathy, Aneurysms, and Muscle Cramps (HANAC) Syndrome. Identifiers: Orphanet 73229, MedGen C2673195, MONDO:0012726, OMIM 611773.

Submission:

MVZ Medizinische Genetik Mainz
Classification: Likely pathogenic for Autosomal dominant familial hematuria-retinal arteriolar tortuosity-contractures syndrome. Last evaluated: 2023-04-17. Review status: criteria provided, single submitter. Criteria: UK Practice Guidelines For Variant Classification V4 01 2020. Collection method: clinical testing. Allele origin: germline. Inheritance: Autosomal dominant inheritance. Affected: yes. Observed: 1 variant allele.
Comment: ACMG Criteria: PVS1,PM2_SUP

NM_001845.6(COL4A1):c.3839del (p.Pro1280fs)

Gene: COL4A1 (collagen type IV alpha 1 chain; minus strand). Cytogenetic location: 13q34.
Variant type: Deletion.
Coding change: c.3839del on transcript NM_001845.6 (MANE Select); coding-DNA position 3839, one base deleted (C; older notation c.3839delC).
Protein change: p.Pro1280fs; shifts the reading frame from proline 1280.
Molecular consequence: frameshift variant.
Genome position (GRCh38, 1-based): chr13:110,169,666, G deleted on the plus strand (C on the coding strand, the reverse complement: COL4A1 is on the minus strand); the first of 3 consecutive G bases (chr13:110,169,666-110,169,668); deleting any one gives the same sequence. VCF-style (leftmost placement, unchanged base first): chr13-110169665-TG-T. GRCh37 (hg19) VCF-style: chr13-110822012-TG-T.
Other names: short protein forms P1280fs.
Identifiers: ClinVar variation 3066368 (VCV003066368.1), dbSNP rs2501757618, ClinGen allele CA2740098032.